The following is an entry in ClinVar:

ClinVar aggregate classification (germline): Uncertain significance (1 of 4 stars; one submission).

Allele frequency attached by ClinVar (database versions not stated): TOPMed below 0.00001.

Submission:

Labcorp Genetics (formerly Invitae), Labcorp
Classification: Uncertain significance. Last evaluated: 2022-08-19. Review status: criteria provided, single submitter. Criteria: Invitae Variant Classification Sherloc (09022015). Collection method: clinical testing. Allele origin: germline.
Comment: In summary, the available evidence is currently insufficient to determine the role of this variant in disease. Therefore, it has been classified as a Variant of Uncertain Significance. Algorithms developed to predict the effect of missense changes on protein structure and function are either unavailable or do not agree on the potential impact of this missense change (SIFT: "Deleterious"; PolyPhen-2: "Benign"; Align-GVGD: "Class C0"). This variant has not been reported in the literature in individuals affected with SOX10-related conditions. This variant is not present in population databases (gnomAD no frequency). This sequence change replaces alanine, which is neutral and non-polar, with valine, which is neutral and non-polar, at codon 254 of the SOX10 protein (p.Ala254Val).

NM_006941.4(SOX10):c.761C>T (p.Ala254Val)

Genes: POLR2F (RNA polymerase II, I and III subunit F; plus strand), SOX10 (SRY-box transcription factor 10; minus strand). Cytogenetic location: 22q13.1.
Variant type: single nucleotide variant.
Coding change: c.761C>T on transcript NM_006941.4 (MANE Select); coding-DNA position 761, C replaced by T.
Protein change: p.Ala254Val; replaces alanine 254 with valine.
Molecular consequence: missense variant. On other transcripts: intron variant (3).
Genome position (GRCh38, 1-based): chr22:37,974,135, G>A on the plus strand (C>T on the coding strand, the complement: SOX10 is on the minus strand). VCF-style: chr22-37974135-G-A. GRCh37 (hg19) VCF-style: chr22-38370142-G-A.
Other names: c.*38+1825G>A (NM_001363825.1); c.293+6965G>A (NM_001301130.2, NM_001301131.2); short protein forms A254V.
Identifiers: ClinVar variation 1716959 (VCV001716959.6), dbSNP rs1305823360, ClinGen allele CA411494427.